The following is an entry in ClinVar:

NM_001005242.3(PKP2):c.478C>T (p.His160Tyr)

Gene: PKP2 (plakophilin 2; minus strand). Cytogenetic location: 12p11.21.
Variant type: single nucleotide variant.
Coding change: c.478C>T on transcript NM_001005242.3 (MANE Select); coding-DNA position 478, C replaced by T.
Protein change: p.His160Tyr; replaces histidine 160 with tyrosine.
Molecular consequence: missense variant.
Genome position (GRCh38, 1-based): chr12:32,878,402, G>A on the plus strand (C>T on the coding strand, the complement: PKP2 is on the minus strand). VCF-style: chr12-32878402-G-A. GRCh37 (hg19) VCF-style: chr12-33031336-G-A.
Other names: c.478C>T, p.His160Tyr (NM_004572.4); short protein forms H160Y.
Identifiers: ClinVar variation 922804 (VCV000922804.5), dbSNP rs1360804472, ClinGen allele CA384365071.

ClinVar aggregate classification (germline): Uncertain significance (1 of 4 stars; one submission).

Conditions:
Cardiomyopathy (CMYO). Also called: Cardiomyopathies. Identifiers: Orphanet 167848, MedGen C0878544, MONDO:0004994, HP:0001638. Inheritance: Various modes of inheritance.

Allele frequency attached by ClinVar (database versions not stated): gnomAD exomes below 0.00001.
gnomAD v4.1: 6 of 1,613,984 alleles (0.00037%); highest among the groups gnomAD compares: Non-Finnish European, 0.00042%; no homozygotes.

Submission:

Color Diagnostics, LLC DBA Color Health
Classification: Uncertain significance for Cardiomyopathy. Last evaluated: 2023-12-05. Review status: criteria provided, single submitter. Criteria: ACMG Guidelines, 2015. Collection method: clinical testing. Allele origin: germline.
Comment: Variant of Uncertain Significance due to insufficient evidence: This missense variant is located in the head domain of the PKP2 protein. Computational prediction tools and conservation analyses suggest that this variant may not impact the protein function. Computational splicing tools suggest that this variant may not impact RNA splicing. To our knowledge, functional assays have not been performed for this variant nor has this variant been reported in individuals affected with cardiovascular disorders in the literature. This variant has been identified in 1/246226 chromosomes in the general population by the Genome Aggregation Database (gnomAD). Available evidence is insufficient to determine the role of this variant in disease conclusively.